The following is an entry in ClinVar:

NM_000363.5(TNNI3):c.97C>A (p.Pro33Thr)

Gene: TNNI3 (troponin I3, cardiac type; minus strand). Cytogenetic location: 19q13.42.
Variant type: single nucleotide variant.
Coding change: c.97C>A on transcript NM_000363.5 (MANE Select); coding-DNA position 97, C replaced by A.
Protein change: p.Pro33Thr; replaces proline 33 with threonine.
Molecular consequence: missense variant.
Genome position (GRCh38, 1-based): chr19:55,157,061, G>T on the plus strand (C>A on the coding strand, the complement: TNNI3 is on the minus strand). VCF-style: chr19-55157061-G-T. GRCh37 (hg19) VCF-style: chr19-55668429-G-T.
Other names: short protein forms P33T.
Identifiers: ClinVar variation 1307925 (VCV001307925.2), dbSNP rs1379608043, ClinGen allele CA407442886.

ClinVar aggregate classification (germline): Uncertain significance (1 of 4 stars; one submission).

Allele frequency attached by ClinVar (database versions not stated): gnomAD exomes below 0.00001.
gnomAD v4.1: 1 of 1,594,956 alleles (0.000063%); highest among the groups gnomAD compares: East Asian, 0.0023%; no homozygotes.

Submission:

GeneDx
Classification: Uncertain significance. Last evaluated: 2019-08-12. Review status: criteria provided, single submitter. Criteria: GeneDx Variant Classification Process June 2021. Collection method: clinical testing. Allele origin: germline. Affected: yes.
Comment: Has not been previously published as pathogenic or benign to our knowledge; Not observed in large population cohorts (Lek et al., 2016); In silico analysis, which includes protein predictors and evolutionary conservation, supports that this variant does not alter protein structure/function